The following is an entry in ClinVar:

NM_002519.3(NPAT):c.1429A>G (p.Thr477Ala)

Gene: NPAT (nuclear protein, coactivator of histone transcription; minus strand). Cytogenetic location: 11q22.3.
Variant type: single nucleotide variant.
Coding change: c.1429A>G on transcript NM_002519.3 (MANE Select); coding-DNA position 1429, A replaced by G.
Protein change: p.Thr477Ala; replaces threonine 477 with alanine.
Molecular consequence: missense variant.
Genome position (GRCh38, 1-based): chr11:108,173,555, T>C on the plus strand (A>G on the coding strand, the complement: NPAT is on the minus strand). VCF-style: chr11-108173555-T-C. GRCh37 (hg19) VCF-style: chr11-108044282-T-C.
Other names: c.1429A>G, p.Thr477Ala (NM_001321307.1); short protein forms T477A.
Identifiers: ClinVar variation 3222469 (VCV003222469.1), dbSNP rs755219078, ClinGen allele CA6263995.
Genomic context (GRCh38, chr11:108,173,555, plus strand): 5'-CACTCGGTACATTTGAAGACAAAGAGTTCTTTTCAATCCCTATAGCCATTTCAGTTTCAG[T>C]GGACATCTGATTGGTGTATAATTCAGCACAATGTGGATTACATTCAGCATTAGAATTCCC-3'
Protein context (NP_002510.2, residues 467-487): CAELYTNQMS[Thr477Ala]ETEMAIGIEK

ClinVar aggregate classification (germline): Uncertain significance (1 of 4 stars; one submission).

Allele frequency attached by ClinVar (database versions not stated): gnomAD exomes 0.00001; ExAC 0.00002.
gnomAD v4.1: 4 of 1,614,226 alleles (0.00025%); highest among the groups gnomAD compares: Non-Finnish European, 0.00034%; no homozygotes.

Submission:

Ambry Genetics
Classification: Uncertain significance. Last evaluated: 2022-09-08. Review status: criteria provided, single submitter. Criteria: Ambry Variant Classification Scheme 2023. Collection method: clinical testing. Allele origin: germline.
Comment: The p.T477A variant (also known as c.1429A>G), located in coding exon 13 of the NPAT gene, results from an A to G substitution at nucleotide position 1429. The threonine at codon 477 is replaced by alanine, an amino acid with similar properties. This amino acid position is conserved. In addition, this alteration is predicted to be tolerated by in silico analysis. Since supporting evidence is limited at this time, the clinical significance of this alteration remains unclear.